The following is an entry in ClinVar:

NM_018668.5(VPS33B):c.1749C>T (p.Ala583=)

Gene: VPS33B (VPS33B late endosome and lysosome associated; minus strand). Cytogenetic location: 15q26.1.
Variant type: single nucleotide variant.
Coding change: c.1749C>T on transcript NM_018668.5 (MANE Select); coding-DNA position 1749, C replaced by T.
Protein change: p.Ala583=; no amino-acid change (alanine 583 retained).
Molecular consequence: synonymous variant.
Genome position (GRCh38, 1-based): chr15:90,999,702, G>A on the plus strand (C>T on the coding strand, the complement: VPS33B is on the minus strand). VCF-style: chr15-90999702-G-A. GRCh37 (hg19) VCF-style: chr15-91542932-G-A.
Other names: c.1668C>T, p.Ala556= (NM_001289148.1); c.1476C>T, p.Ala492= (NM_001289149.1).
Identifiers: ClinVar variation 288093 (VCV000288093.17), dbSNP rs201436915, ClinGen allele CA7744527.

ClinVar aggregate classification (germline): Conflicting classifications of pathogenicity. Review status: criteria provided, conflicting classifications (1 of 4 stars). 4 submissions from 4 submitters: Uncertain significance (1); Likely benign (2). 1 of the submissions does not count toward it. Last evaluated 2025-11-27.

Conditions:
VPS33B-related disorder. Also called: VPS33B-related condition.

Allele frequency attached by ClinVar (database versions not stated): gnomAD exomes 0.00004 and 0.00021; gnomAD 0.00005; TOPMed 0.00014; ExAC 0.00018; 1000 Genomes Project 0.00020; 1000 Genomes Project 30x 0.00031.
gnomAD v4.1: 70 of 1,614,086 alleles (0.0043%); highest among the groups gnomAD compares: Admixed American, 0.1%; no homozygotes.

Submissions (4):

Labcorp Genetics (formerly Invitae), Labcorp
Classification: Likely benign. Last evaluated: 2025-11-27. Review status: criteria provided, single submitter. Criteria: Invitae Variant Classification Sherloc (09022015). Collection method: clinical testing. Allele origin: germline.

GeneDx
Classification: Likely benign. Last evaluated: 2020-06-22. Review status: criteria provided, single submitter. Criteria: GeneDx Variant Classification Process June 2021. Collection method: clinical testing. Allele origin: germline. Affected: yes.

Eurofins Ntd Llc (ga)
Classification: Uncertain significance. Last evaluated: 2017-12-19. Review status: criteria provided, single submitter. Criteria: EGL Classification Definitions 2015. Collection method: clinical testing. Allele origin: germline. Observed: 2 variant alleles, 2 heterozygotes.

PreventionGenetics, part of Exact Sciences
Classification: Likely benign for VPS33B-related condition. Last evaluated: 2022-03-21. Review status: no assertion criteria provided. Collection method: clinical testing. Allele origin: germline. Not counted in ClinVar's aggregate classification.
Comment: This variant is classified as likely benign based on ACMG/AMP sequence variant interpretation guidelines (Richards et al. 2015 PMID: 25741868, with internal and published modifications).